The following is an entry in ClinVar:

NM_183050.4(BCKDHB):c.11_15del (p.Val4fs)

Gene: BCKDHB (branched chain keto acid dehydrogenase E1 subunit beta; plus strand). Cytogenetic location: 6q14.1.
Variant type: Deletion.
Coding change: c.11_15del on transcript NM_183050.4 (MANE Select); coding-DNA positions 11 to 15, 5 bases deleted (TAGCG; older notation c.11_15delTAGCG).
Protein change: p.Val4fs; shifts the reading frame from valine 4.
Molecular consequence: frameshift variant. On other transcripts: 5 prime UTR variant (1), non-coding transcript variant (6), intron variant (1).
Genome position (GRCh38, 1-based): chr6:80,106,704-80,106,708, TAGCG deleted; deleting any 5 consecutive bases within chr6:80,106,703-80,106,708 gives the same sequence; the c. name uses the placement nearest the transcript's 3' end. VCF-style (leftmost placement, unchanged base first): chr6-80106702-TGTAGC-T. GRCh37 (hg19) VCF-style: chr6-80816419-TGTAGC-T.
Other names: c.11_15del, p.Val4fs (NM_000056.5, NM_001424035.1, NM_001424036.1 and 8 more transcripts); c.-154_-150del (NM_001424043.1); c.-15+21_-15+25del (NM_001318975.1); short protein forms V4fs.
Identifiers: ClinVar variation 5004421 (VCV005004421.1).

ClinVar aggregate classification (germline): Pathogenic (1 of 4 stars; one submission).

Conditions:
Maple syrup urine disease type 1B (MSUD1B). Also called: MSUD type IB; MSUD type 3 (formerly); MSUD due to deficiency of e1-beta subunit of branched-chain alpha-keto acid dehydrogenase complex. Identifiers: MedGen C2930990, MONDO:0023692, OMIM 620698.

Submission:

Myriad Genetics, Inc.
Classification: Pathogenic for Maple syrup urine disease type 1B. Last evaluated: 2026-01-27. Review status: criteria provided, single submitter. Criteria: Myriad Autosomal Dominant, Autosomal Recessive and X-Linked Classification Criteria (2023). Collection method: clinical testing. Allele origin: unknown.
Comment: NM_183050.2(BCKDHB):c.11_15del5(V4Gfs*15) is a frameshift variant classified as pathogenic in the context of maple syrup urine disease type Ib. V4Gfs*15 has not been observed in cases with relevant disease. Relevant functional assessments of this variant are not available in the literature. V4Gfs*15 has not been observed in referenced population frequency databases. In summary, NM_183050.2(BCKDHB):c.11_15del5(V4Gfs*15) is a frameshift variant in a gene where loss of function is a known mechanism of disease and is predicted to disrupt protein function. Please note: this variant was assessed in the context of healthy population screening.